The following is an entry in ClinVar:

NM_004082.5(DCTN1):c.2902G>C (p.Glu968Gln)

Gene: DCTN1 (dynactin subunit 1; minus strand). Cytogenetic location: 2p13.1.
Variant type: single nucleotide variant.
Coding change: c.2902G>C on transcript NM_004082.5 (MANE Select); coding-DNA position 2902, G replaced by C.
Protein change: p.Glu968Gln; replaces glutamic acid 968 with glutamine.
Molecular consequence: missense variant. On other transcripts: non-coding transcript variant (1).
Genome position (GRCh38, 1-based): chr2:74,365,642, C>G on the plus strand (G>C on the coding strand, the complement: DCTN1 is on the minus strand). VCF-style: chr2-74365642-C-G. GRCh37 (hg19) VCF-style: chr2-74592769-C-G.
Other names: c.2842G>C, p.Glu948Gln (NM_001135040.3); c.2500G>C, p.Glu834Gln (NM_001135041.3, NM_023019.4); c.2791G>C, p.Glu931Gln (NM_001190836.2); c.2881G>C, p.Glu961Gln (NM_001190837.2); c.2851G>C, p.Glu951Gln (NM_001378991.1); c.2833G>C, p.Glu945Gln (NM_001378992.1); short protein forms E834Q, E931Q, E945Q, E948Q, E951Q, E961Q, E968Q.
Identifiers: ClinVar variation 3757500 (VCV003757500.2).

ClinVar aggregate classification (germline): Uncertain significance (1 of 4 stars; one submission).

Conditions:
Amyotrophic lateral sclerosis type 1 (ALS1). Also called: AMYOTROPHIC LATERAL SCLEROSIS 1, FAMILIAL. Identifiers: Orphanet 803, MedGen C1862939, MONDO:0007103, OMIM 105400.
Neuronopathy, distal hereditary motor, type 7B. Also called: HMN VIIB; LOWER MOTOR NEURON DISEASE, DYNACTIN TYPE; NEURONOPATHY, DISTAL HEREDITARY MOTOR, AUTOSOMAL DOMINANT 14; NEURONOPATHY, DISTAL HEREDITARY MOTOR, HARDING TYPE VIIB; NEUROPATHY, DISTAL HEREDITARY MOTOR, HARDING TYPE VIIB; NEUROPATHY, DISTAL HEREDITARY MOTOR, WITH VOCAL CORD PARALYSIS, HARDING TYPE VIIB. Identifiers: Orphanet 139589, MedGen C1843315, MONDO:0011879, OMIM 607641.
Perry syndrome. Also called: PARKINSONISM WITH ALVEOLAR HYPOVENTILATION AND MENTAL DEPRESSION. Identifiers: Orphanet 178509, MedGen C1868594, MONDO:0008201, OMIM 168605.

Submission:

Labcorp Genetics (formerly Invitae), Labcorp
Classification: Uncertain significance for Amyotrophic lateral sclerosis type 1; Neuronopathy, distal hereditary motor, type 7B; Perry syndrome. Last evaluated: 2024-07-31. Review status: criteria provided, single submitter. Criteria: Invitae Variant Classification Sherloc (09022015). Collection method: clinical testing. Allele origin: germline.
Comment: This sequence change replaces glutamic acid, which is acidic and polar, with glutamine, which is neutral and polar, at codon 968 of the DCTN1 protein (p.Glu968Gln). This variant is not present in population databases (gnomAD no frequency). This variant has not been reported in the literature in individuals affected with DCTN1-related conditions. Advanced modeling of protein sequence and biophysical properties (such as structural, functional, and spatial information, amino acid conservation, physicochemical variation, residue mobility, and thermodynamic stability) performed at Invitae indicates that this missense variant is not expected to disrupt DCTN1 protein function with a negative predictive value of 80%. In summary, the available evidence is currently insufficient to determine the role of this variant in disease. Therefore, it has been classified as a Variant of Uncertain Significance.